The following is an entry in ClinVar:

ClinVar aggregate classification (germline): Uncertain significance (1 of 4 stars; one submission).

Submission:

GeneDx
Classification: Uncertain significance. Last evaluated: 2025-05-22. Review status: criteria provided, single submitter. Criteria: GeneDx Variant Classification Process June 2021. Collection method: clinical testing. Allele origin: germline. Affected: yes.
Comment: Not observed at significant frequency in large population cohorts (gnomAD); In silico analysis suggests that this missense variant does not alter protein structure/function; Has not been previously published as pathogenic or benign to our knowledge

NM_002941.4(ROBO1):c.3611T>C (p.Ile1204Thr)

Gene: ROBO1 (roundabout guidance receptor 1; minus strand). Cytogenetic location: 3p12.3.
Variant type: single nucleotide variant.
Coding change: c.3611T>C on transcript NM_002941.4 (MANE Select); coding-DNA position 3611, T replaced by C.
Protein change: p.Ile1204Thr; replaces isoleucine 1204 with threonine.
Molecular consequence: missense variant.
Genome position (GRCh38, 1-based): chr3:78,631,176, A>G on the plus strand (T>C on the coding strand, the complement: ROBO1 is on the minus strand). VCF-style: chr3-78631176-A-G. GRCh37 (hg19) VCF-style: chr3-78680326-A-G.
Other names: c.3311T>C, p.Ile1104Thr (NM_001145845.2); c.3476T>C, p.Ile1159Thr (NM_133631.4); short protein forms I1104T, I1159T, I1204T.
Identifiers: ClinVar variation 4531134 (VCV004531134.1).